The following is an entry in ClinVar:

NM_005228.5(EGFR):c.352G>A (p.Ala118Thr)

Gene: EGFR (epidermal growth factor receptor; plus strand). Cytogenetic location: 7p11.2.
Variant type: single nucleotide variant.
Coding change: c.352G>A on transcript NM_005228.5 (MANE Select); coding-DNA position 352, G replaced by A.
Protein change: p.Ala118Thr; replaces alanine 118 with threonine.
Molecular consequence: missense variant. On other transcripts: intron variant (1).
Genome position (GRCh38, 1-based): chr7:55,143,416, G>A. VCF-style: chr7-55143416-G-A. GRCh37 (hg19) VCF-style: chr7-55211109-G-A.
Other names: c.352G>A, p.Ala118Thr (NM_001346897.2, NM_001346898.2, NM_001346899.2 and 3 more transcripts); c.193G>A, p.Ala65Thr (NM_001346900.2); c.89-12414G>A (NM_001346941.2); short protein forms A118T, A65T.
Identifiers: ClinVar variation 3713314 (VCV003713314.2).

ClinVar aggregate classification (germline): Uncertain significance (1 of 4 stars; one submission).

Conditions:
EGFR-related lung cancer (EGFR). Identifiers: MedGen CN130014.

Submission:

Labcorp Genetics (formerly Invitae), Labcorp
Classification: Uncertain significance for EGFR-related lung cancer. Last evaluated: 2024-03-03. Review status: criteria provided, single submitter. Criteria: Invitae Variant Classification Sherloc (09022015). Collection method: clinical testing. Allele origin: germline.
Comment: This sequence change replaces alanine, which is neutral and non-polar, with threonine, which is neutral and polar, at codon 118 of the EGFR protein (p.Ala118Thr). This variant is not present in population databases (gnomAD no frequency). This variant has not been reported in the literature in individuals affected with EGFR-related conditions. Advanced modeling of protein sequence and biophysical properties (such as structural, functional, and spatial information, amino acid conservation, physicochemical variation, residue mobility, and thermodynamic stability) has been performed at Invitae for this missense variant, however the output from this modeling did not meet the statistical confidence thresholds required to predict the impact of this variant on EGFR protein function. In summary, the available evidence is currently insufficient to determine the role of this variant in disease. Therefore, it has been classified as a Variant of Uncertain Significance.